The following is an entry in ClinVar:

ClinVar aggregate classification (germline): Uncertain significance (1 of 4 stars; one submission).

Conditions:
Beckwith-Wiedemann syndrome (BWS). Also called: EMG SYNDROME; Exomphalos macroglossia gigantism syndrome. Identifiers: Orphanet 116, MedGen C0004903, MONDO:0007534, OMIM 130650.

Submission:

Labcorp Genetics (formerly Invitae), Labcorp
Classification: Uncertain significance for Beckwith-Wiedemann syndrome. Last evaluated: 2022-12-15. Review status: criteria provided, single submitter. Criteria: Invitae Variant Classification Sherloc (09022015). Collection method: clinical testing. Allele origin: germline.
Comment: In summary, the available evidence is currently insufficient to determine the role of this variant in disease. Therefore, it has been classified as a Variant of Uncertain Significance. Advanced modeling of protein sequence and biophysical properties (such as structural, functional, and spatial information, amino acid conservation, physicochemical variation, residue mobility, and thermodynamic stability) performed at Invitae indicates that this missense variant is not expected to disrupt CDKN1C protein function. This variant has not been reported in the literature in individuals affected with CDKN1C-related conditions. This variant is not present in population databases (gnomAD no frequency). This sequence change replaces alanine, which is neutral and non-polar, with threonine, which is neutral and polar, at codon 123 of the CDKN1C protein (p.Ala123Thr).

NM_001122630.2(CDKN1C):c.334G>A (p.Ala112Thr)

Gene: CDKN1C (cyclin dependent kinase inhibitor 1C; minus strand). Cytogenetic location: 11p15.4.
Variant type: single nucleotide variant.
Coding change: c.334G>A on transcript NM_001122630.2 (MANE Select); coding-DNA position 334, G replaced by A.
Protein change: p.Ala112Thr; replaces alanine 112 with threonine.
Molecular consequence: missense variant. On other transcripts: intron variant (1).
Genome position (GRCh38, 1-based): chr11:2,885,123, C>T on the plus strand (G>A on the coding strand, the complement: CDKN1C is on the minus strand). VCF-style: chr11-2885123-C-T. GRCh37 (hg19) VCF-style: chr11-2906353-C-T.
Other names: c.367G>A, p.Ala123Thr (NM_000076.2, NM_001362474.2); c.334G>A, p.Ala112Thr (NM_001122631.2); c.255+79G>A (NM_001362475.2); short protein forms A123T, A112T.
Identifiers: ClinVar variation 2820915 (VCV002820915.3), dbSNP rs1395949690, ClinGen allele CA379146847.